The following is an entry in ClinVar:

ClinVar aggregate classification (germline): Likely benign (0 of 4 stars; one submission).

Conditions:
TIAM1-related disorder. Also called: TIAM1-related condition.

Submission:

PreventionGenetics, part of Exact Sciences
Classification: Likely benign for TIAM1-related condition. Last evaluated: 2019-06-06. Review status: no assertion criteria provided. Collection method: clinical testing. Allele origin: germline.
Comment: This variant is classified as likely benign based on ACMG/AMP sequence variant interpretation guidelines (Richards et al. 2015 PMID: 25741868, with internal and published modifications).

NM_001353694.2(TIAM1):c.3943-8_3943-6del

Gene: TIAM1 (TIAM Rac1 associated GEF 1; minus strand). Cytogenetic location: 21q22.11.
Variant type: Microsatellite.
Coding change: c.3943-8_3943-6del on transcript NM_001353694.2 (MANE Select); 8 bases into the intron before coding-DNA position 3943 through 6 bases into the intron before coding-DNA position 3943, 3 bases deleted (CTC; older notation c.3943-8_3943-6delCTC).
Molecular consequence: intron variant.
Genome position (GRCh38, 1-based): chr21:31,130,321-31,130,323, GAG deleted on the plus strand (CTC on the coding strand, the reverse complement: TIAM1 is on the minus strand); deleting any 3 consecutive bases within chr21:31,130,321-31,130,326 gives the same sequence; the c. name uses the placement nearest the transcript's 3' end. VCF-style (leftmost placement, unchanged base first): chr21-31130320-AGAG-A. GRCh37 (hg19) VCF-style: chr21-32502638-AGAG-A.
Other names: c.3943-8_3943-6del (NM_001353690.1, NM_003253.3, NM_001353688.1 and 4 more transcripts); c.3868-8_3868-6del (NM_001353687.2, NM_001353686.2); c.967-8_967-6del (NM_001353685.2); c.1042-8_1042-6del (NM_001353684.2).
Identifiers: ClinVar variation 3044926 (VCV003044926.2), dbSNP rs755312938, ClinGen allele CA9997645.